The following is an entry in ClinVar:

ClinVar aggregate classification (germline): Likely benign (1 of 4 stars; one submission).

Allele frequency attached by ClinVar (database versions not stated): 1000 Genomes Project 0.00060; 1000 Genomes Project 30x 0.00062.
gnomAD v4.1: 147 of 1,610,254 alleles (0.0091%); highest among the groups gnomAD compares: South Asian, 0.13%; 2 homozygotes.

Submission:

CeGaT Center for Human Genetics Tuebingen
Classification: Likely benign. Last evaluated: 2022-12-01. Review status: criteria provided, single submitter. Criteria: CeGaT Center For Human Genetics Tuebingen Variant Classification Criteria Version 2. Collection method: clinical testing. Allele origin: germline. Affected: yes. Observed: 1 variant allele.
Comment: SLC68A1: BP4, BP7

NM_024789.4(SLC68A1):c.1104C>T (p.Arg368=)

Gene: SLC68A1 (solute carrier family 68 member 1; plus strand). Cytogenetic location: 10q24.32.
Variant type: single nucleotide variant.
Coding change: c.1104C>T on transcript NM_024789.4 (MANE Select); coding-DNA position 1104, C replaced by T.
Protein change: p.Arg368=; no amino-acid change (arginine 368 retained).
Molecular consequence: synonymous variant.
Genome position (GRCh38, 1-based): chr10:102,473,825, C>T. VCF-style: chr10-102473825-C-T. GRCh37 (hg19) VCF-style: chr10-104233582-C-T.
Identifiers: ClinVar variation 2640793 (VCV002640793.24), dbSNP rs139803007, ClinGen allele CA5667117.